The following is an entry in ClinVar:

ClinVar aggregate classification (germline): Uncertain significance. Review status: criteria provided, multiple submitters, no conflicts (2 of 4 stars). 2 submissions from 2 submitters: Uncertain significance (2). Last evaluated 2026-01-12.

Conditions:
SEMA3F-related disorder. Also called: SEMA3F-related condition.

Allele frequency attached by ClinVar (database versions not stated): gnomAD 0.00001; gnomAD exomes 0.00001; TOPMed 0.00001; ExAC 0.00008; ESP Exome Variant Server 0.00008.
gnomAD v4.1: 24 of 1,612,904 alleles (0.0015%); highest among the groups gnomAD compares: African/African-American, 0.0013%; no homozygotes.

Submissions (2):

PreventionGenetics, part of Exact Sciences
Classification: Uncertain significance for SEMA3F-related condition. Last evaluated: 2026-01-12. Review status: criteria provided, single submitter. Criteria: ACMG Guidelines, 2015. Collection method: clinical testing. Allele origin: germline.
Comment: The SEMA3F c.1724G>A variant is predicted to result in the amino acid substitution p.Arg575His. To our knowledge, this variant has not been reported in the literature. This variant is reported in 0.0093% of alleles in individuals of European (Finnish) descent in gnomAD. At this time, the clinical significance of this variant is uncertain due to the absence of conclusive functional and genetic evidence.

Ambry Genetics
Classification: Uncertain significance. Last evaluated: 2022-12-13. Review status: criteria provided, single submitter. Criteria: Ambry Variant Classification Scheme 2023. Collection method: clinical testing. Allele origin: germline.

NM_004186.5(SEMA3F):c.1724G>A (p.Arg575His)

Gene: SEMA3F (semaphorin 3F; plus strand). Cytogenetic location: 3p21.31.
Variant type: single nucleotide variant.
Coding change: c.1724G>A on transcript NM_004186.5 (MANE Select); coding-DNA position 1724, G replaced by A.
Protein change: p.Arg575His; replaces arginine 575 with histidine.
Molecular consequence: missense variant.
Genome position (GRCh38, 1-based): chr3:50,186,025, G>A. VCF-style: chr3-50186025-G-A. GRCh37 (hg19) VCF-style: chr3-50223458-G-A.
Other names: c.1724G>A (NM_004186.4); c.1427G>A, p.Arg476His (NM_001318798.2); c.1631G>A, p.Arg544His (NM_001318800.2); short protein forms R476H, R575H, R544H.
Identifiers: ClinVar variation 2407557 (VCV002407557.3), dbSNP rs367805068, ClinGen allele CA2412197.
Genomic context (GRCh38, chr3:50,186,025, plus strand): 5'-GTGCTGACTGCTGCCTTGCCCGGGACCCTTACTGTGCCTGGGATGGCCAGGCCTGCTCCC[G>A]CTATACAGCATCCTCCAAGAGGTGTGGACCCCTAGACACCTAGAATTTTAGCAACCAGTC-3'
Protein context (NP_004177.3, residues 565-585): YCAWDGQACS[Arg575His]YTASSKRRSR